The following is an entry in ClinVar:

ClinVar aggregate classification (germline): Pathogenic (1 of 4 stars; one submission).

Submission:

Labcorp Genetics (formerly Invitae), Labcorp
Classification: Pathogenic. Last evaluated: 2022-07-05. Review status: criteria provided, single submitter. Criteria: Invitae Variant Classification Sherloc (09022015). Collection method: clinical testing. Allele origin: germline.
Comment: A gross deletion of the genomic region encompassing the full coding sequence of the TLE6 gene has been identified. Loss-of-function variants in TLE6 are known to be pathogenic (PMID: 26537248, 29606347, 32172300). The boundaries of this event are unknown as they extend beyond the assayed region for this gene and therefore may encompass additional genes. This variant has not been reported in the literature in individuals affected with TLE6-related conditions. For these reasons, this variant has been classified as Pathogenic.

Literature cited by the submitters: PubMed 26537248; PubMed 29606347; PubMed 32172300.

NC_000019.9:g.(?_2901044)_(3121449_?)del

Genes: GNA11 (G protein subunit alpha 11; plus strand), TLE2 (TLE family member 2, transcriptional corepressor; minus strand), TLE5 (TLE family member 5, transcriptional modulator; minus strand), TLE6 (TLE family member 6, subcortical maternal complex member; plus strand), ZNF77 (zinc finger protein 77; minus strand). Cytogenetic location: 19p13.3.
Variant type: Deletion.
Identifiers: ClinVar variation 2423880 (VCV002423880.3).